The following is an entry in ClinVar:

ClinVar aggregate classification (germline): Uncertain significance (1 of 4 stars; one submission).

Conditions:
Usher syndrome type 3B. Also called: USHER SYNDROME, TYPE IIIB. Identifiers: MedGen C3281066, MONDO:0013788, OMIM 614504.

Submission:

Labcorp Genetics (formerly Invitae), Labcorp
Classification: Uncertain significance for Usher syndrome type 3B. Last evaluated: 2023-07-19. Review status: criteria provided, single submitter. Criteria: Invitae Variant Classification Sherloc (09022015). Collection method: clinical testing. Allele origin: germline.
Comment: This variant has not been reported in the literature in individuals affected with HARS-related conditions. An algorithm developed to predict the effect of missense changes on protein structure and function (PolyPhen-2) suggests that this variant is likely to be tolerated. In summary, the available evidence is currently insufficient to determine the role of this variant in disease. Therefore, it has been classified as a Variant of Uncertain Significance. This sequence change replaces methionine, which is neutral and non-polar, with isoleucine, which is neutral and non-polar, at codon 163 of the HARS protein (p.Met163Ile). This variant is not present in population databases (gnomAD no frequency).

NM_002109.6(HARS1):c.489G>A (p.Met163Ile)

Gene: HARS1 (histidyl-tRNA synthetase 1; minus strand). Cytogenetic location: 5q31.3.
Variant type: single nucleotide variant.
Coding change: c.489G>A on transcript NM_002109.6 (MANE Select); coding-DNA position 489, G replaced by A.
Protein change: p.Met163Ile; replaces methionine 163 with isoleucine.
Molecular consequence: missense variant. On other transcripts: intron variant (4).
Genome position (GRCh38, 1-based): chr5:140,679,035, C>T on the plus strand (G>A on the coding strand, the complement: HARS1 is on the minus strand). VCF-style: chr5-140679035-C-T. GRCh37 (hg19) VCF-style: chr5-140058620-C-T.
Other names: c.369G>A, p.Met123Ile (NM_001258040.3); c.402G>A, p.Met134Ile (NM_001289094.2); c.181-1020G>A (NM_001289093.2); c.342+27G>A (NM_001258042.3); c.301-1020G>A (NM_001289092.2); c.462+27G>A (NM_001258041.3); short protein forms M134I, M163I, M123I.
Identifiers: ClinVar variation 2745389 (VCV002745389.3), dbSNP rs2481265980, ClinGen allele CA361256915.